The following is an entry in ClinVar:

ClinVar aggregate classification (germline): Uncertain significance. Review status: criteria provided, multiple submitters, no conflicts (2 of 4 stars). 2 submissions from 2 submitters: Uncertain significance (2). Last evaluated 2025-06-07.

Conditions:
Usher syndrome type 3B. Also called: USHER SYNDROME, TYPE IIIB. Identifiers: MedGen C3281066, MONDO:0013788, OMIM 614504.

gnomAD v4.1: 1 of 1,609,164 alleles (0.000062%); highest among the groups gnomAD compares: African/African-American, 0.0013%; no homozygotes.

Submissions (2):

Ambry Genetics
Classification: Uncertain significance. Last evaluated: 2025-06-07. Review status: criteria provided, single submitter. Criteria: Ambry Variant Classification Scheme 2023. Collection method: clinical testing. Allele origin: germline.

Labcorp Genetics (formerly Invitae), Labcorp
Classification: Uncertain significance for Usher syndrome type 3B. Last evaluated: 2024-05-28. Review status: criteria provided, single submitter. Criteria: Invitae Variant Classification Sherloc (09022015). Collection method: clinical testing. Allele origin: germline.
Comment: This sequence change replaces leucine, which is neutral and non-polar, with methionine, which is neutral and non-polar, at codon 39 of the HARS protein (p.Leu39Met). This variant is present in population databases (no rsID available, gnomAD 0.01%). This variant has not been reported in the literature in individuals affected with HARS-related conditions. An algorithm developed to predict the effect of missense changes on protein structure and function (PolyPhen-2) suggests that this variant is likely to be disruptive. In summary, the available evidence is currently insufficient to determine the role of this variant in disease. Therefore, it has been classified as a Variant of Uncertain Significance.

NM_002109.6(HARS1):c.115C>A (p.Leu39Met)

Gene: HARS1 (histidyl-tRNA synthetase 1; minus strand). Cytogenetic location: 5q31.3.
Variant type: single nucleotide variant.
Coding change: c.115C>A on transcript NM_002109.6 (MANE Select); coding-DNA position 115, C replaced by A.
Protein change: p.Leu39Met; replaces leucine 39 with methionine.
Molecular consequence: missense variant.
Genome position (GRCh38, 1-based): chr5:140,690,920, G>T on the plus strand (C>A on the coding strand, the complement: HARS1 is on the minus strand). VCF-style: chr5-140690920-G-T. GRCh37 (hg19) VCF-style: chr5-140070505-G-T.
Other names: c.115C>A (NM_002109.3); c.115C>A, p.Leu39Met (NM_001258040.3, NM_001258041.3, NM_001258042.3 and 2 more transcripts); c.28C>A, p.Leu10Met (NM_001289094.2); short protein forms L10M, L39M.
Identifiers: ClinVar variation 3715818 (VCV003715818.3).